The following is an entry in ClinVar:

ClinVar aggregate classification (germline): Likely benign. Review status: criteria provided, multiple submitters, no conflicts (2 of 4 stars). 3 submissions from 3 submitters: Likely benign (3). Last evaluated 2026-06-18.

Conditions:
Retinoblastoma (RB1). Also called: RETINOBLASTOMA, SOMATIC. Identifiers: Orphanet 790, MedGen C0035335, MeSH D012175, MONDO:0008380, OMIM 180200, HP:0009919. Disease mechanism: loss of function. Inheritance: Both sporadic and heritable forms are tested..

Allele frequency attached by ClinVar (database versions not stated): gnomAD exomes below 0.00001 and 0.00001; TOPMed 0.00001; ExAC 0.00001.
gnomAD v4.1: 18 of 1,612,710 alleles (0.0011%); highest among the groups gnomAD compares: Non-Finnish European, 0.0014%; no homozygotes.

Submissions (3):

Myriad Genetics, Inc.
Classification: Likely benign for Retinoblastoma. Last evaluated: 2026-06-18. Review status: criteria provided, single submitter. Criteria: Myriad Autosomal Dominant, Autosomal Recessive and X-Linked Classification Criteria (2023). Collection method: clinical testing. Allele origin: unknown.
Comment: This variant is considered likely benign. This variant is intronic and is not expected to impact mRNA splicing.

Labcorp Genetics (formerly Invitae), Labcorp
Classification: Likely benign for Retinoblastoma. Last evaluated: 2024-07-06. Review status: criteria provided, single submitter. Criteria: Invitae Variant Classification Sherloc (09022015). Collection method: clinical testing. Allele origin: germline.

All of Us Research Program, National Institutes of Health
Classification: Likely benign for Retinoblastoma. Last evaluated: 2023-11-20. Review status: criteria provided, single submitter. Criteria: ACMG Guidelines, 2015. Collection method: clinical testing. Allele origin: germline. Inheritance: Autosomal dominant inheritance. Observed: 2 variant alleles, 2 heterozygotes.
Comment: This study involves interpretation of variants in research participants for the purpose of population health screening. Participant phenotype was not available at the time of variant classification. Additional details can be found in publication PMID: 35346344, PMCID: PMC8962531

NM_000321.3(RB1):c.1050-15C>T

Gene: RB1 (RB transcriptional corepressor 1; plus strand). Cytogenetic location: 13q14.2.
Variant type: single nucleotide variant.
Coding change: c.1050-15C>T on transcript NM_000321.3 (MANE Select); 15 bases into the intron before coding-DNA position 1050, C replaced by T.
Molecular consequence: intron variant.
Genome position (GRCh38, 1-based): chr13:48,368,512, C>T. VCF-style: chr13-48368512-C-T. GRCh37 (hg19) VCF-style: chr13-48942648-C-T.
Identifiers: ClinVar variation 1576700 (VCV001576700.10), dbSNP rs776037881, ClinGen allele CA027452.